The following is an entry in ClinVar:

ClinVar aggregate classification (germline): Uncertain significance (1 of 4 stars; one submission).

Submission:

Labcorp Genetics (formerly Invitae), Labcorp
Classification: Uncertain significance. Last evaluated: 2022-10-18. Review status: criteria provided, single submitter. Criteria: Invitae Variant Classification Sherloc (09022015). Collection method: clinical testing. Allele origin: germline.
Comment: In summary, the available evidence is currently insufficient to determine the role of this variant in disease. Therefore, it has been classified as a Variant of Uncertain Significance. Algorithms developed to predict the effect of missense changes on protein structure and function are either unavailable or do not agree on the potential impact of this missense change (SIFT: "Deleterious"; PolyPhen-2: "Benign"; Align-GVGD: "Class C0"). This variant has not been reported in the literature in individuals affected with SLC1A3-related conditions. This variant is not present in population databases (gnomAD no frequency). This sequence change replaces lysine, which is basic and polar, with asparagine, which is neutral and polar, at codon 541 of the SLC1A3 protein (p.Lys541Asn).

NM_004172.5(SLC1A3):c.1623G>C (p.Lys541Asn)

Genes: SLC1A3 (solute carrier family 1 member 3; plus strand), SLC1A3-AS1 (SLC1A3 antisense RNA 1; minus strand). Cytogenetic location: 5p13.2.
Variant type: single nucleotide variant.
Coding change: c.1623G>C on transcript NM_004172.5 (MANE Select); coding-DNA position 1623, G replaced by C.
Protein change: p.Lys541Asn; replaces lysine 541 with asparagine.
Molecular consequence: missense variant.
Genome position (GRCh38, 1-based): chr5:36,686,263, G>C. VCF-style: chr5-36686263-G-C. GRCh37 (hg19) VCF-style: chr5-36686365-G-C.
Other names: c.1488G>C, p.Lys496Asn (NM_001166695.3); c.1485G>C, p.Lys495Asn (NM_001289939.2); c.1287G>C, p.Lys429Asn (NM_001289940.2); short protein forms K541N, K429N, K495N, K496N.
Identifiers: ClinVar variation 2011148 (VCV002011148.4), dbSNP rs1162690889, ClinGen allele CA359610444.